The following is an entry in ClinVar:

ClinVar aggregate classification (germline): Uncertain significance (1 of 4 stars; one submission).

Conditions:
Hereditary breast ovarian cancer syndrome. Also called: Hereditary breast and ovarian cancer; Hereditary breast and ovarian cancer syndrome; Breast and ovarian cancer; BRCA1- and BRCA2-Associated Hereditary Breast and Ovarian Cancer; Hereditary breast and/or ovarian cancer syndrome; Hereditary breast and ovarian cancer syndrome (HBOC). Identifiers: Orphanet 145, MedGen C0677776, MeSH D061325, MONDO:0003582. Disease mechanism: loss of function.

Submission:

Labcorp Genetics (formerly Invitae), Labcorp
Classification: Uncertain significance for Hereditary breast ovarian cancer syndrome. Last evaluated: 2020-07-16. Review status: criteria provided, single submitter. Criteria: Invitae Variant Classification Sherloc (09022015). Collection method: clinical testing. Allele origin: germline.
Comment: Advanced modeling of protein sequence and biophysical properties (such as structural, functional, and spatial information, amino acid conservation, physicochemical variation, residue mobility, and thermodynamic stability) performed at Invitae indicates that this missense variant is not expected to disrupt BRCA2 protein function. In summary, the available evidence is currently insufficient to determine the role of this variant in disease. Therefore, it has been classified as a Variant of Uncertain Significance. This variant has not been reported in the literature in individuals with BRCA2-related conditions. This variant is not present in population databases (ExAC no frequency). This sequence change replaces cysteine with serine at codon 3253 of the BRCA2 protein (p.Cys3253Ser). The cysteine residue is moderately conserved and there is a moderate physicochemical difference between cysteine and serine.

NM_000059.4(BRCA2):c.9758G>C (p.Cys3253Ser)

Gene: BRCA2 (BRCA2 DNA repair associated; plus strand). Cytogenetic location: 13q13.1.
Variant type: single nucleotide variant.
Coding change: c.9758G>C on transcript NM_000059.4 (MANE Select); coding-DNA position 9758, G replaced by C.
Protein change: p.Cys3253Ser; replaces cysteine 3253 with serine.
Molecular consequence: missense variant.
Genome position (GRCh38, 1-based): chr13:32,398,271, G>C. VCF-style: chr13-32398271-G-C. GRCh37 (hg19) VCF-style: chr13-32972408-G-C.
Other names: short protein forms C3253S.
Identifiers: ClinVar variation 998487 (VCV000998487.9), dbSNP rs786202698, ClinGen allele CA387765734.
Genomic context (GRCh38, chr13:32,398,271, plus strand): 5'-GTATGGCCAAAAGGAAGTCTGTTTCCACACCTGTCTCAGCCCAGATGACTTCAAAGTCTT[G>C]TAAAGGGGAGAAAGAGATTGATGACCAAAAGAACTGCAAAAAGAGAAGAGCCTTGGATTT-3'
Protein context (NP_000050.3, residues 3243-3263): PVSAQMTSKS[Cys3253Ser]KGEKEIDDQK